The following is an entry in ClinVar:

NM_006947.4(SRP72):c.61T>G (p.Tyr21Asp)

Gene: SRP72 (signal recognition particle 72; plus strand). Cytogenetic location: 4q12.
Variant type: single nucleotide variant.
Coding change: c.61T>G on transcript NM_006947.4 (MANE Select); coding-DNA position 61, T replaced by G.
Protein change: p.Tyr21Asp; replaces tyrosine 21 with aspartic acid.
Molecular consequence: missense variant. On other transcripts: non-coding transcript variant (1).
Genome position (GRCh38, 1-based): chr4:56,467,696, T>G. VCF-style: chr4-56467696-T-G. GRCh37 (hg19) VCF-style: chr4-57333862-T-G.
Other names: c.61T>G, p.Tyr21Asp (NM_001267722.2); short protein forms Y21D.
Identifiers: ClinVar variation 4174956 (VCV004174956.1).

ClinVar aggregate classification (germline): Uncertain significance (1 of 4 stars; one submission).

Submission:

Ambry Genetics
Classification: Uncertain significance. Last evaluated: 2025-08-02. Review status: criteria provided, single submitter. Criteria: Ambry Variant Classification Scheme 2023. Collection method: clinical testing. Allele origin: germline.
Comment: The p.Y21D variant (also known as c.61T>G), located in coding exon 1 of the SRP72 gene, results from a T to G substitution at nucleotide position 61. The tyrosine at codon 21 is replaced by aspartic acid, an amino acid with highly dissimilar properties. This amino acid position is conserved. In addition, the in silico prediction for this alteration is inconclusive. Based on the available evidence, the clinical significance of this variant remains unclear.